The following is an entry in ClinVar:

NM_003754.3(EIF3F):c.21A>G (p.Pro7=)

Gene: EIF3F (eukaryotic translation initiation factor 3 subunit F; plus strand). Cytogenetic location: 11p15.4.
Variant type: single nucleotide variant.
Coding change: c.21A>G on transcript NM_003754.3 (MANE Select); coding-DNA position 21, A replaced by G.
Protein change: p.Pro7=; no amino-acid change (proline 7 retained).
Molecular consequence: synonymous variant.
Genome position (GRCh38, 1-based): chr11:7,987,373, A>G. VCF-style: chr11-7987373-A-G. GRCh37 (hg19) VCF-style: chr11-8008920-A-G.
Other names: c.21A>G (NM_003754.2).
Identifiers: ClinVar variation 2498504 (VCV002498504.30), dbSNP rs148453570, ClinGen allele CA5870369.

ClinVar aggregate classification (germline): Likely benign. Review status: criteria provided, multiple submitters, no conflicts (2 of 4 stars). 3 submissions from 3 submitters: Likely benign (2). 1 of the submissions does not count toward it. Last evaluated 2026-08-01.

Conditions:
EIF3F-related disorder. Also called: EIF3F-related condition.

Allele frequency attached by ClinVar (database versions not stated): 1000 Genomes Project 0.00040; 1000 Genomes Project 30x 0.00062; ExAC 0.00088; ESP Exome Variant Server 0.00092.
gnomAD v4.1: 1,908 of 1,596,814 alleles (0.12%); highest among the groups gnomAD compares: Non-Finnish European, 0.13%; 3 homozygotes.

Submissions (3):

CeGaT Center for Human Genetics Tuebingen
Classification: Likely benign. Last evaluated: 2026-08-01. Review status: criteria provided, single submitter. Criteria: CeGaT Center For Human Genetics Tuebingen Variant Classification Criteria Version 2. Collection method: clinical testing. Allele origin: germline. Affected: yes. Observed: 8 variant alleles.
Comment: EIF3F: BP4, BP7

Blueprint Genetics
Classification: Likely benign. Last evaluated: 2024-11-27. Review status: criteria provided, single submitter. Criteria: ACMG Guidelines, 2015. Collection method: clinical testing. Allele origin: germline.

PreventionGenetics, part of Exact Sciences
Classification: Likely benign for EIF3F-related condition. Last evaluated: 2019-08-14. Review status: no assertion criteria provided. Collection method: clinical testing. Allele origin: germline. Not counted in ClinVar's aggregate classification.
Comment: This variant is classified as likely benign based on ACMG/AMP sequence variant interpretation guidelines (Richards et al. 2015 PMID: 25741868, with internal and published modifications).